The following is an entry in ClinVar:

NM_001283009.2(RTEL1):c.3265GAC[2] (p.Asp1091del)

Genes: RTEL1-TNFRSF6B (RTEL1-TNFRSF6B readthrough (NMD candidate); plus strand), RTEL1 (regulator of telomere elongation helicase 1; plus strand). Cytogenetic location: 20q13.33.
Variant type: Microsatellite.
Coding change: c.3265GAC[2] on transcript NM_001283009.2 (MANE Select); two copies in a row of the 3-base unit GAC starting at c.3265; the reference has three copies in a row; one copy, 3 bases deleted; also written c.3271_3273del.
Protein change: p.Asp1091del; deletes aspartic acid 1091.
Molecular consequence: inframe deletion. On other transcripts: non-coding transcript variant (1).
Genome position (GRCh38, 1-based): chr20:63,694,902-63,694,904, GAC deleted; deleting any 3 consecutive bases within chr20:63,694,896-63,694,904 gives the same sequence; the position shown is the placement nearest the transcript's 3' end. VCF-style (leftmost placement, unchanged base first): chr20-63694895-AGAC-A. GRCh37 (hg19) VCF-style: chr20-62326248-AGAC-A.
Other names: c.3343_3345del (NM_032957.4); c.2596GAC[2], p.Asp868del (NM_001283010.1); c.3265GAC[2], p.Asp1091del (NM_016434.4); c.3337GAC[2], p.Asp1115del (NM_032957.5); c.3271_3273del (NM_001283009.2); c.3271_3273delGAC (NM_001283009.2); short protein forms D1091del, D1115del, D868del.
Identifiers: ClinVar variation 950376 (VCV000950376.12), dbSNP rs1568724567, ClinGen allele CA920253634.
Genomic context (GRCh38, chr20:63,694,895, plus strand): 5'-CAGGGCCCTGGGGTCCGCGGGCTGTAGCCAACTCTTGGCAGCGCTGACAGCCTATAAGCA[AGAC>A]GACGACCTCGACAAGGTGCTGGCTGTGTTGGCCGCCCTGACCACTGCAAAGCCAGAGGAC-3'

ClinVar aggregate classification (germline): Conflicting classifications of pathogenicity. Review status: criteria provided, conflicting classifications (1 of 4 stars). 4 submissions from 4 submitters: Likely pathogenic (2); Uncertain significance (1). 1 of the submissions does not count toward it. Last evaluated 2025-07-21.

Conditions:
Dyskeratosis congenita. Identifiers: Orphanet 1775, MedGen C0265965, MONDO:0015780.
Dyskeratosis congenita, autosomal recessive 5 (DKCB5). Identifiers: MedGen C3554656, MONDO:0014076, OMIM 615190.
Pulmonary fibrosis and/or bone marrow failure, Telomere-related, 3. Also called: PULMONARY FIBROSIS AND/OR BONE MARROW FAILURE SYNDROME, TELOMERE-RELATED, 3. Identifiers: Orphanet 2032, MedGen C4225346, MONDO:0014613, OMIM 616373.

Submissions (4):

Labcorp Genetics (formerly Invitae), Labcorp
Classification: Uncertain significance for Dyskeratosis congenita, autosomal recessive 5; Pulmonary fibrosis and/or bone marrow failure, Telomere-related, 3. Last evaluated: 2025-07-21. Review status: criteria provided, single submitter. Criteria: Invitae Variant Classification Sherloc (09022015). Collection method: clinical testing. Allele origin: germline.
Comment: This variant, c.3271_3273del, results in the deletion of 1 amino acid(s) of the RTEL1 protein (p.Asp1091del), but otherwise preserves the integrity of the reading frame. This variant is not present in population databases (gnomAD no frequency). This variant has not been reported in the literature in individuals affected with RTEL1-related conditions. ClinVar contains an entry for this variant (Variation ID: 950376). Experimental studies and prediction algorithms are not available or were not evaluated, and the functional significance of this variant is currently unknown. In summary, the available evidence is currently insufficient to determine the role of this variant in disease. Therefore, it has been classified as a Variant of Uncertain Significance.

3billion
Classification: Likely pathogenic for Dyskeratosis congenita, autosomal recessive 5. Last evaluated: 2024-07-03. Review status: criteria provided, single submitter. Criteria: ACMG Guidelines, 2015. Collection method: clinical testing. Allele origin: germline. Affected: yes.
Comment: The variant is observed at an extremely low frequency in the gnomAD v4.0.0 dataset (total allele frequency: <0.001%). Predicted Consequence/Location: Inframe deletion located in a nonrepeat region: predicted to change the length of the protein and disrupt normal protein function. The variant has been reported to be associated with RTEL1 related disorder (ClinVar ID: VCV000950376 /3billion dataset). Therefore, this variant is classified as Likely pathogenic according to the recommendation of ACMG/AMP guideline.

Genomic Medicine Center of Excellence, King Faisal Specialist Hospital and Research Centre
Classification: Likely pathogenic for Dyskeratosis congenita, autosomal recessive 5. Last evaluated: 2023-05-08. Review status: criteria provided, single submitter. Criteria: ACMG Guidelines, 2015. Collection method: research. Allele origin: germline. Affected: yes.

Natera, Inc.
Classification: Uncertain significance for Dyskeratosis congenita. Last evaluated: 2025-05-30. Review status: no assertion criteria provided. Collection method: clinical testing. Allele origin: germline. Not counted in ClinVar's aggregate classification.